The following is an entry in ClinVar:

NM_000038.6(APC):c.1849G>A (p.Val617Ile)

Gene: APC (APC regulator of Wnt signaling pathway; plus strand). Cytogenetic location: 5q22.2.
Variant type: single nucleotide variant.
Coding change: c.1849G>A on transcript NM_000038.6 (MANE Select); coding-DNA position 1849, G replaced by A.
Protein change: p.Val617Ile; replaces valine 617 with isoleucine.
Molecular consequence: missense variant. On other transcripts: non-coding transcript variant (2).
Genome position (GRCh38, 1-based): chr5:112,835,056, G>A. VCF-style: chr5-112835056-G-A. GRCh37 (hg19) VCF-style: chr5-112170753-G-A.
Other names: c.1849G>A, p.Val617Ile (NM_001127510.3, NM_001354895.2, NM_001407450.1); c.1795G>A, p.Val599Ile (NM_001127511.3); c.1903G>A, p.Val635Ile (NM_001354896.2, NM_001407447.1, NM_001407448.1 and 1 more transcripts); c.1879G>A, p.Val627Ile (NM_001354897.2); c.1774G>A, p.Val592Ile (NM_001354898.2); c.1765G>A, p.Val589Ile (NM_001354899.2); c.1726G>A, p.Val576Ile (NM_001354900.2); c.1672G>A, p.Val558Ile (NM_001354901.2, NM_001407453.1); and 11 more; short protein forms V488I, V491I, V589I, V627I, V635I, V233I, V334I, V526I.
Identifiers: ClinVar variation 3880668 (VCV003880668.1).
Genomic context (GRCh38, chr5:112,835,056, plus strand): 5'-GCACATTGCACTGAGAATAAAGCTGATATATGTGCTGTAGATGGTGCACTTGCATTTTTG[G>A]TTGGCACTCTTACTTACCGGAGCCAGACAAACACTTTAGCCATTATTGAAAGTGGAGGTG-3'
Protein context (NP_000029.2, residues 607-627): CAVDGALAFL[Val617Ile]GTLTYRSQTN

ClinVar aggregate classification (germline): Uncertain significance (1 of 4 stars; one submission).

Conditions:
Hereditary cancer-predisposing syndrome. Also called: Tumor predisposition; Neoplastic Syndromes, Hereditary; Hereditary Cancer Syndrome; Hereditary neoplastic syndrome. Identifiers: Orphanet 140162, MedGen C0027672, MeSH D009386, MONDO:0015356.

gnomAD v4.1: 2 of 1,614,100 alleles (0.00012%); highest among the groups gnomAD compares: African/African-American, 0.0013%; no homozygotes.

Submission:

Ambry Genetics
Classification: Uncertain significance for Hereditary cancer-predisposing syndrome. Last evaluated: 2024-12-11. Review status: criteria provided, single submitter. Criteria: Ambry Variant Classification Scheme 2023. Collection method: clinical testing. Allele origin: germline.
Comment: The p.V617I variant (also known as c.1849G>A), located in coding exon 14 of the APC gene, results from a G to A substitution at nucleotide position 1849. The valine at codon 617 is replaced by isoleucine, an amino acid with highly similar properties. This amino acid position is conserved. In addition, in silico predictors for this gene do not accurately predict pathogenicity. Based on the available evidence, the clinical significance of this variant remains unclear.